The following is an entry in ClinVar:

ClinVar aggregate classification (germline): Uncertain significance. Review status: criteria provided, multiple submitters, no conflicts (2 of 4 stars). 2 submissions from 2 submitters: Uncertain significance (2). Last evaluated 2025-09-28.

Conditions:
Cardiovascular phenotype. Identifiers: MedGen CN230736.
Brugada syndrome 4 (BRGDA4). Identifiers: Orphanet 130, MedGen C2678477, MONDO:0012743, OMIM 611876.

Allele frequency attached by ClinVar (database versions not stated): gnomAD exomes below 0.00001; ExAC 0.00001; TOPMed 0.00001.
gnomAD v4.1: 2 of 1,614,096 alleles (0.00012%); highest among the groups gnomAD compares: Non-Finnish European, 0.00017%; no homozygotes.

Submissions (2):

Ambry Genetics
Classification: Uncertain significance for Cardiovascular phenotype. Last evaluated: 2025-09-28. Review status: criteria provided, single submitter. Criteria: Ambry Variant Classification Scheme 2023. Collection method: clinical testing. Allele origin: germline.
Comment: The p.R135I variant (also known as c.404G>T), located in coding exon 4 of the CACNB2 gene, results from a G to T substitution at nucleotide position 404. The arginine at codon 135 is replaced by isoleucine, an amino acid with similar properties. This amino acid position is well conserved in available vertebrate species. In addition, the in silico prediction for this alteration is inconclusive. Since supporting evidence is limited at this time, the clinical significance of this alteration remains unclear.

Labcorp Genetics (formerly Invitae), Labcorp
Classification: Uncertain significance for Brugada syndrome 4. Last evaluated: 2023-10-15. Review status: criteria provided, single submitter. Criteria: Invitae Variant Classification Sherloc (09022015). Collection method: clinical testing. Allele origin: germline.
Comment: This sequence change replaces arginine, which is basic and polar, with isoleucine, which is neutral and non-polar, at codon 135 of the CACNB2 protein (p.Arg135Ile). This variant is present in population databases (rs757975540, gnomAD 0.0009%). This variant has not been reported in the literature in individuals affected with CACNB2-related conditions. ClinVar contains an entry for this variant (Variation ID: 1737356). Advanced modeling of protein sequence and biophysical properties (such as structural, functional, and spatial information, amino acid conservation, physicochemical variation, residue mobility, and thermodynamic stability) performed at Invitae indicates that this missense variant is not expected to disrupt CACNB2 protein function. In summary, the available evidence is currently insufficient to determine the role of this variant in disease. Therefore, it has been classified as a Variant of Uncertain Significance.

NM_201596.3(CACNB2):c.566G>T (p.Arg189Ile)

Gene: CACNB2 (calcium voltage-gated channel auxiliary subunit beta 2; plus strand). Cytogenetic location: 10p12.31.
Variant type: single nucleotide variant.
Coding change: c.566G>T on transcript NM_201596.3 (MANE Select); coding-DNA position 566, G replaced by T.
Protein change: p.Arg189Ile; replaces arginine 189 with isoleucine.
Molecular consequence: missense variant.
Genome position (GRCh38, 1-based): chr10:18,500,921, G>T. VCF-style: chr10-18500921-G-T. GRCh37 (hg19) VCF-style: chr10-18789850-G-T.
Other names: c.401G>T, p.Arg134Ile (NM_000724.4, NM_001330060.2); c.482G>T, p.Arg161Ile (NM_001167945.2, NM_201571.4, NM_201572.4); c.422G>T, p.Arg141Ile (NM_001410882.1, NM_201570.3); c.404G>T, p.Arg135Ile (NM_201590.3); c.566G>T, p.Arg189Ile (NM_201593.3, NM_201597.3); short protein forms R141I, R189I, R134I, R135I, R161I.
Identifiers: ClinVar variation 1737356 (VCV001737356.6), dbSNP rs757975540, ClinGen allele CA5429649.